The following is an entry in ClinVar:

NM_172107.4(KCNQ2):c.918_919del (p.Leu307fs)

Gene: KCNQ2 (potassium voltage-gated channel subfamily Q member 2; minus strand). Cytogenetic location: 20q13.33.
Variant type: Microsatellite.
Coding change: c.918_919del on transcript NM_172107.4 (MANE Select); coding-DNA positions 918 to 919, 2 bases deleted (GC; older notation c.918_919delGC).
Protein change: p.Leu307fs; shifts the reading frame from leucine 307.
Molecular consequence: frameshift variant.
Genome position (GRCh38, 1-based): chr20:63,439,606-63,439,607, GC deleted on the plus strand (GC on the coding strand, the reverse complement: KCNQ2 is on the minus strand); deleting any 2 consecutive bases within chr20:63,439,606-63,439,610 gives the same sequence; the c. name uses the placement nearest the transcript's 3' end. VCF-style (leftmost placement, unchanged base first): chr20-63439605-AGC-A. GRCh37 (hg19) VCF-style: chr20-62070958-AGC-A.
Other names: c.918_919del, p.Leu307fs (NM_001382235.1, NM_001439003.1, NM_001439004.1 and 4 more transcripts); short protein forms L307fs.
Identifiers: ClinVar variation 4735731 (VCV004735731.1).

ClinVar aggregate classification (germline): Pathogenic (1 of 4 stars; one submission).

Conditions:
Early-infantile DEE. Also called: Early infantile epileptic encephalopathy; Early infantile epileptic encephalopathy with suppression bursts; Ohtahara syndrome. Identifiers: Orphanet 1934, MedGen C0393706, MONDO:0800491.

Submission:

Labcorp Genetics (formerly Invitae), Labcorp
Classification: Pathogenic for Early-infantile DEE. Last evaluated: 2026-01-24. Review status: criteria provided, single submitter. Criteria: Invitae Variant Classification Sherloc (09022015). Collection method: clinical testing. Allele origin: germline.
Comment: This sequence change creates a premature translational stop signal (p.Leu307Alafs*23) in the KCNQ2 gene. It is expected to result in an absent or disrupted protein product. Loss-of-function variants in KCNQ2 are known to be pathogenic (PMID: 14534157, 23692823, 27779742). This variant is not present in population databases (gnomAD no frequency). This variant has not been reported in the literature in individuals affected with KCNQ2-related conditions. For these reasons, this variant has been classified as Pathogenic.

Literature cited by the submitters: PubMed 14534157; PubMed 23692823; PubMed 27779742.